The following is an entry in ClinVar:

NM_014806.5(RUSC2):c.1444A>C (p.Thr482Pro)

Gene: RUSC2 (RUN and SH3 domain containing 2; plus strand). Cytogenetic location: 9p13.3.
Variant type: single nucleotide variant.
Coding change: c.1444A>C on transcript NM_014806.5 (MANE Select); coding-DNA position 1444, A replaced by C.
Protein change: p.Thr482Pro; replaces threonine 482 with proline.
Molecular consequence: missense variant. On other transcripts: non-coding transcript variant (1), intron variant (1).
Genome position (GRCh38, 1-based): chr9:35,547,965, A>C. VCF-style: chr9-35547965-A-C. GRCh37 (hg19) VCF-style: chr9-35547962-A-C.
Other names: c.1444A>C, p.Thr482Pro (NM_001135999.2); c.-620-7095A>C (NM_001330740.2); short protein forms T482P.
Identifiers: ClinVar variation 1971185 (VCV001971185.5), dbSNP rs1482580398, ClinGen allele CA373333202.

ClinVar aggregate classification (germline): Uncertain significance (1 of 4 stars; one submission).

Allele frequency attached by ClinVar (database versions not stated): TOPMed below 0.00001.

Submission:

Labcorp Genetics (formerly Invitae), Labcorp
Classification: Uncertain significance. Last evaluated: 2022-11-15. Review status: criteria provided, single submitter. Criteria: Invitae Variant Classification Sherloc (09022015). Collection method: clinical testing. Allele origin: germline.
Comment: This sequence change replaces threonine, which is neutral and polar, with proline, which is neutral and non-polar, at codon 482 of the RUSC2 protein (p.Thr482Pro). In summary, the available evidence is currently insufficient to determine the role of this variant in disease. Therefore, it has been classified as a Variant of Uncertain Significance. Algorithms developed to predict the effect of missense changes on protein structure and function are either unavailable or do not agree on the potential impact of this missense change (SIFT: "Deleterious"; PolyPhen-2: "Possibly Damaging"; Align-GVGD: "Class C0"). This variant has not been reported in the literature in individuals affected with RUSC2-related conditions. This variant is not present in population databases (gnomAD no frequency).